The following is an entry in ClinVar:

ClinVar aggregate classification (germline): Uncertain significance (1 of 4 stars; one submission).

Submission:

GeneDx
Classification: Uncertain significance. Last evaluated: 2023-08-09. Review status: criteria provided, single submitter. Criteria: GeneDx Variant Classification Process June 2021. Collection method: clinical testing. Allele origin: germline. Affected: yes.
Comment: Not observed at significant frequency in large population cohorts (gnomAD); In silico analysis supports that this missense variant has a deleterious effect on protein structure/function; Has not been previously published as pathogenic or benign to our knowledge

NM_001127222.2(CACNA1A):c.2045G>T (p.Gly682Val)

Gene: CACNA1A (calcium voltage-gated channel subunit alpha1 A; minus strand). Cytogenetic location: 19p13.13.
Variant type: single nucleotide variant.
Coding change: c.2045G>T on transcript NM_001127222.2 (MANE Select); coding-DNA position 2045, G replaced by T.
Protein change: p.Gly682Val; replaces glycine 682 with valine.
Molecular consequence: missense variant.
Genome position (GRCh38, 1-based): chr19:13,303,826, C>A on the plus strand (G>T on the coding strand, the complement: CACNA1A is on the minus strand). VCF-style: chr19-13303826-C-A. GRCh37 (hg19) VCF-style: chr19-13414640-C-A.
Other names: c.2048G>T, p.Gly683Val (NM_023035.3, NM_001174080.2, NM_001127221.2 and 1 more transcripts); short protein forms G683V, G682V.
Identifiers: ClinVar variation 392763 (VCV000392763.4), dbSNP rs1057524618, ClinGen allele CA16608083.